The following is an entry in ClinVar:

NM_004320.6(ATP2A1):c.1130_1131delinsTT (p.Cys377Phe)

Gene: ATP2A1 (ATPase sarcoplasmic/endoplasmic reticulum Ca2+ transporting 1; plus strand). Cytogenetic location: 16p11.2.
Variant type: Indel.
Coding change: c.1130_1131delinsTT on transcript NM_004320.6 (MANE Select); coding-DNA positions 1130 to 1131, GC replaced by TT.
Protein change: p.Cys377Phe; replaces cysteine 377 with phenylalanine.
Molecular consequence: missense variant.
Genome position (GRCh38, 1-based): chr16:28,894,189-28,894,190, GC replaced by TT. VCF-style: chr16-28894189-GC-TT. GRCh37 (hg19) VCF-style: chr16-28905510-GC-TT.
Other names: c.755_756delinsTT, p.Cys252Phe (NM_001286075.2); c.1130_1131delinsTT, p.Cys377Phe (NM_173201.5); short protein forms C252F, C377F.
Identifiers: ClinVar variation 2175855 (VCV002175855.1), dbSNP rs2506314732, ClinGen allele CA2580091431.

ClinVar aggregate classification (germline): Uncertain significance (1 of 4 stars; one submission).

Conditions:
Brody myopathy. Also called: BRODY DISEASE. Identifiers: Orphanet 53347, MedGen C1832918, MONDO:0010977, OMIM 601003.

Submission:

Labcorp Genetics (formerly Invitae), Labcorp
Classification: Uncertain significance for Brody myopathy. Last evaluated: 2022-03-18. Review status: criteria provided, single submitter. Criteria: Invitae Variant Classification Sherloc (09022015). Collection method: clinical testing. Allele origin: germline.
Comment: This sequence change replaces cysteine, which is neutral and slightly polar, with phenylalanine, which is neutral and non-polar, at codon 377 of the ATP2A1 protein (p.Cys377Phe). This variant is present in population databases (no rsID available, gnomAD 0.2%). This variant has not been reported in the literature in individuals affected with ATP2A1-related conditions. Algorithms developed to predict the effect of missense changes on protein structure and function are either unavailable or do not agree on the potential impact of this missense change (SIFT: "Not Available"; PolyPhen-2: "Benign"; Align-GVGD: "Not Available"). In summary, the available evidence is currently insufficient to determine the role of this variant in disease. Therefore, it has been classified as a Variant of Uncertain Significance.